The following is an entry in ClinVar:

ClinVar aggregate classification (germline): Likely pathogenic (1 of 4 stars; one submission).

Conditions:
Asphyxiating thoracic dystrophy 3. Also called: POLYDACTYLY WITH NEONATAL CHONDRODYSTROPHY, TYPE I; SHORT-RIB THORACIC DYSPLASIA 3/6 WITH POLYDACTYLY, DIGENIC; SHORT-RIB THORACIC DYSPLASIA 3 WITH OR WITHOUT POLYDACTYLY; Saldino-Noonan Syndrome; Short rib polydactyly syndrome 2B. Identifiers: Orphanet 474, Orphanet 93269, Orphanet 93270, Orphanet 93271, MedGen C0036069, MONDO:0013127, OMIM 613091.

Submission:

Juno Genomics, Hangzhou Juno Genomics, Inc
Classification: Likely pathogenic for Asphyxiating thoracic dystrophy 3. Review status: criteria provided, single submitter. Criteria: ACMG Guidelines, 2015. Collection method: clinical testing. Allele origin: germline.
Comment: Null variant in a gene where loss of function (LOF) is a known mechanism of disease.;Absent from controls (or at extremely low frequency if recessive) in Genome Aggregation Database.

NM_001377.3(DYNC2H1):c.9877del (p.Thr3293fs)

Gene: DYNC2H1 (dynein cytoplasmic 2 heavy chain 1; plus strand). Cytogenetic location: 11q22.3.
Variant type: Deletion.
Coding change: c.9877del on transcript NM_001377.3 (MANE Select); coding-DNA position 9877, one base deleted (A; older notation c.9877delA).
Protein change: p.Thr3293fs; shifts the reading frame from threonine 3293.
Molecular consequence: frameshift variant.
Genome position (GRCh38, 1-based): chr11:103,243,750, A deleted; the last of 5 consecutive A bases (chr11:103,243,746-103,243,750); deleting any one gives the same sequence. VCF-style (leftmost placement, unchanged base first): chr11-103243745-TA-T. GRCh37 (hg19) VCF-style: chr11-103114474-TA-T.
Other names: c.9898del, p.Thr3300fs (NM_001080463.2); short protein forms T3293fs, T3300fs.
Identifiers: ClinVar variation 5038019 (VCV005038019.2).